The following is an entry in ClinVar:

NM_001278512.2(AP3B2):c.189+6A>G

Genes: AP3B2 (adaptor related protein complex 3 subunit beta 2; minus strand), CPEB1-AS1 (CPEB1 antisense RNA 1; plus strand). Cytogenetic location: 15q25.2.
Variant type: single nucleotide variant.
Coding change: c.189+6A>G on transcript NM_001278512.2 (MANE Select); 6 bases into the intron after coding-DNA position 189, A replaced by G.
Molecular consequence: intron variant.
Genome position (GRCh38, 1-based): chr15:82,689,372, T>C on the plus strand (A>G on the coding strand, the complement: AP3B2 is on the minus strand). VCF-style: chr15-82689372-T-C. GRCh37 (hg19) VCF-style: chr15-83358124-T-C.
Other names: c.189+6A>G (NM_001278511.2, NM_004644.5, NM_001348440.2 and 1 more transcripts).
Identifiers: ClinVar variation 1368193 (VCV001368193.4), dbSNP rs992337429, ClinGen allele CA273462996.
Genomic context (GRCh38, chr15:82,689,372, plus strand): 5'-CTAAGGAGAGCTGCTCTTGGCCACCCAGGCCCCGCCCGGAGGGAGGCCTCCTCCTTCCCC[T>C]CTTACCGCCACAATCCTCTTCATGGCCTCCAGCTTGAGAGAATCCTTGTTGGTGTCCAGC-3'

ClinVar aggregate classification (germline): Uncertain significance. Review status: criteria provided, single submitter (1 of 4 stars). 2 submissions from 2 submitters: Uncertain significance (1). 1 of the submissions does not count toward it. Last evaluated 2022-10-25.

Conditions:
AP3B2-related disorder. Also called: AP3B2-related condition.

Allele frequency attached by ClinVar (database versions not stated): gnomAD exomes 0.00001; gnomAD 0.00005 and 0.00006; TOPMed 0.00022.
gnomAD v4.1: 18 of 1,613,716 alleles (0.0011%); highest among the groups gnomAD compares: Admixed American, 0.022%; no homozygotes.

Submissions (2):

Labcorp Genetics (formerly Invitae), Labcorp
Classification: Uncertain significance. Last evaluated: 2022-10-25. Review status: criteria provided, single submitter. Criteria: Invitae Variant Classification Sherloc (09022015). Collection method: clinical testing. Allele origin: germline.
Comment: This sequence change falls in intron 2 of the AP3B2 gene. It does not directly change the encoded amino acid sequence of the AP3B2 protein. It affects a nucleotide within the consensus splice site. This variant is present in population databases (no rsID available, gnomAD 0.006%). This variant has not been reported in the literature in individuals affected with AP3B2-related conditions. ClinVar contains an entry for this variant (Variation ID: 1368193). Variants that disrupt the consensus splice site are a relatively common cause of aberrant splicing (PMID: 17576681, 9536098). Algorithms developed to predict the effect of sequence changes on RNA splicing suggest that this variant is not likely to affect RNA splicing. In summary, the available evidence is currently insufficient to determine the role of this variant in disease. Therefore, it has been classified as a Variant of Uncertain Significance.

PreventionGenetics, part of Exact Sciences
Classification: Likely benign for AP3B2-related condition. Last evaluated: 2019-05-29. Review status: no assertion criteria provided. Collection method: clinical testing. Allele origin: germline. Not counted in ClinVar's aggregate classification.
Comment: This variant is classified as likely benign based on ACMG/AMP sequence variant interpretation guidelines (Richards et al. 2015 PMID: 25741868, with internal and published modifications).

Literature cited by the submitters: PubMed 17576681 (cited by Labcorp Genetics (formerly Invitae), Labcorp); PubMed 9536098 (cited by Labcorp Genetics (formerly Invitae), Labcorp).